The following is an entry in ClinVar:

NM_015295.3(SMCHD1):c.2660G>C (p.Gly887Ala)

Gene: SMCHD1 (structural maintenance of chromosomes flexible hinge domain containing 1; plus strand). Cytogenetic location: 18p11.32.
Variant type: single nucleotide variant.
Coding change: c.2660G>C on transcript NM_015295.3 (MANE Select); coding-DNA position 2660, G replaced by C.
Protein change: p.Gly887Ala; replaces glycine 887 with alanine.
Molecular consequence: missense variant.
Genome position (GRCh38, 1-based): chr18:2,724,955, G>C. VCF-style: chr18-2724955-G-C. GRCh37 (hg19) VCF-style: chr18-2724953-G-C.
Other names: short protein forms G887A.
Identifiers: ClinVar variation 464164 (VCV000464164.15), dbSNP rs1460743863, ClinGen allele CA401682161.

ClinVar aggregate classification (germline): Uncertain significance. Review status: criteria provided, multiple submitters, no conflicts (2 of 4 stars). 3 submissions from 3 submitters: Uncertain significance (2). 1 of the submissions does not count toward it. Last evaluated 2024-08-17.

Conditions:
SMCHD1-related disorder. Also called: SMCHD1-related condition.
Facioscapulohumeral muscular dystrophy 2 (FSHD2). Also called: MUSCULAR DYSTROPHY, FACIOSCAPULOHUMERAL, TYPE 1B; FACIOSCAPULOHUMERAL MUSCULAR DYSTROPHY 2, DIGENIC; FSHD2, DIGENIC. Identifiers: Orphanet 269, MedGen C1834671, MONDO:0008031, OMIM 158901.

Allele frequency attached by ClinVar (database versions not stated): gnomAD 0.00001; gnomAD exomes 0.00001; TOPMed 0.00001.
gnomAD v4.1: 10 of 1,593,762 alleles (0.00063%); highest among the groups gnomAD compares: Admixed American, 0.0017%; no homozygotes.

Submissions (3):

Labcorp Genetics (formerly Invitae), Labcorp
Classification: Uncertain significance for Facioscapulohumeral muscular dystrophy 2. Last evaluated: 2024-08-17. Review status: criteria provided, single submitter. Criteria: Invitae Variant Classification Sherloc (09022015). Collection method: clinical testing. Allele origin: germline.
Comment: This sequence change replaces glycine, which is neutral and non-polar, with alanine, which is neutral and non-polar, at codon 887 of the SMCHD1 protein (p.Gly887Ala). This variant is present in population databases (no rsID available, gnomAD no frequency). This variant has not been reported in the literature in individuals affected with SMCHD1-related conditions. ClinVar contains an entry for this variant (Variation ID: 464164). Invitae Evidence Modeling of protein sequence and biophysical properties (such as structural, functional, and spatial information, amino acid conservation, physicochemical variation, residue mobility, and thermodynamic stability) indicates that this missense variant is expected to disrupt SMCHD1 protein function with a positive predictive value of 80%. In summary, the available evidence is currently insufficient to determine the role of this variant in disease. Therefore, it has been classified as a Variant of Uncertain Significance.

Eurofins Ntd Llc (ga)
Classification: Uncertain significance. Last evaluated: 2017-03-03. Review status: criteria provided, single submitter. Criteria: EGL Classification Definitions 2015. Collection method: clinical testing. Allele origin: germline. Observed: 1 variant allele, 1 heterozygote.

PreventionGenetics, part of Exact Sciences
Classification: Uncertain significance for SMCHD1-related condition. Last evaluated: 2024-05-02. Review status: no assertion criteria provided. Collection method: clinical testing. Allele origin: germline. Not counted in ClinVar's aggregate classification.
Comment: The SMCHD1 c.2660G>C variant is predicted to result in the amino acid substitution p.Gly887Ala. To our knowledge, this variant has not been reported in the literature. This variant is present in one allele out of 31,348 alleles in the gnomAD database. At this time, the clinical significance of this variant is uncertain due to the absence of conclusive functional and genetic evidence.